The following is an entry in ClinVar:

NM_000257.4(MYH7):c.1870T>G (p.Tyr624Asp)

Gene: MYH7 (myosin heavy chain 7; minus strand). Cytogenetic location: 14q11.2.
Variant type: single nucleotide variant.
Coding change: c.1870T>G on transcript NM_000257.4 (MANE Select); coding-DNA position 1870, T replaced by G.
Protein change: p.Tyr624Asp; replaces tyrosine 624 with aspartic acid.
Molecular consequence: missense variant.
Genome position (GRCh38, 1-based): chr14:23,427,603, A>C on the plus strand (T>G on the coding strand, the complement: MYH7 is on the minus strand). VCF-style: chr14-23427603-A-C. GRCh37 (hg19) VCF-style: chr14-23896812-A-C.
Other names: short protein forms Y624D.
Identifiers: ClinVar variation 525025 (VCV000525025.8), dbSNP rs1555338113, ClinGen allele CA389049645.

ClinVar aggregate classification (germline): Uncertain significance (1 of 4 stars; one submission).

Conditions:
Hypertrophic cardiomyopathy. Also called: HYPERTROPHIC MYOCARDIOPATHY. Identifiers: Orphanet 217569, MedGen C0007194, MeSH D002312, MONDO:0005045, HP:0001639.

Submission:

Labcorp Genetics (formerly Invitae), Labcorp
Classification: Uncertain significance for Hypertrophic cardiomyopathy. Last evaluated: 2017-12-12. Review status: criteria provided, single submitter. Criteria: Invitae Variant Classification Sherloc (09022015). Collection method: clinical testing. Allele origin: germline.
Comment: This variant is found within a region of MYH7 between codons 181 and 937 that contains the majority of the myosin head domain. Missense variants in this region have been shown to be significantly overrepresented in individuals with hypertrophic cardiomyopathy (PMID: 27532257). In summary, the available evidence is currently insufficient to determine the role of this variant in disease. Therefore, it has been classified as a Variant of Uncertain Significance. A computational algorithm designed to assess the pathogenicity of variants in MYH7 with regard to hypertrophic cardiomyopathy predicted this sequence change to be tolerated. The algorithm has a sensitivity of 94% and a specificity of 89% (PMID: 21310275). This variant has not been reported in the literature in individuals with MYH7-related disease. This variant is not present in population databases (ExAC no frequency). This sequence change replaces tyrosine with aspartic acid at codon 624 of the MYH7 protein (p.Tyr624Asp). The tyrosine residue is highly conserved and there is a large physicochemical difference between tyrosine and aspartic acid.

Literature cited by the submitters: PubMed 27532257; PubMed 21310275.